The following is an entry in ClinVar:

NM_001145319.2(PLS1):c.548A>C (p.Asn183Thr)

Gene: PLS1 (plastin 1; plus strand). Cytogenetic location: 3q23.
Variant type: single nucleotide variant.
Coding change: c.548A>C on transcript NM_001145319.2 (MANE Select); coding-DNA position 548, A replaced by C.
Protein change: p.Asn183Thr; replaces asparagine 183 with threonine.
Molecular consequence: missense variant.
Genome position (GRCh38, 1-based): chr3:142,678,082, A>C. VCF-style: chr3-142678082-A-C. GRCh37 (hg19) VCF-style: chr3-142396924-A-C.
Other names: c.548A>C, p.Asn183Thr (NM_001172312.2, NM_002670.3); short protein forms N183T.
Identifiers: ClinVar variation 4888093 (VCV004888093.1).

ClinVar aggregate classification (germline): Uncertain significance (1 of 4 stars; one submission).

Submission:

GeneDx
Classification: Uncertain significance. Last evaluated: 2026-03-01. Review status: criteria provided, single submitter. Criteria: GeneDx Variant Classification Process June 2021. Collection method: clinical testing. Allele origin: germline.
Comment: Not observed at significant frequency in large population cohorts (gnomAD); In silico analysis supports that this missense variant has a deleterious effect on protein structure/function; Has not been previously published as pathogenic or benign to our knowledge